The following is an entry in ClinVar:

NM_000535.7(PMS2):c.2148del (p.Val717fs)

Gene: PMS2 (PMS1 homolog 2, mismatch repair system component; minus strand). Cytogenetic location: 7p22.1.
Variant type: Deletion.
Coding change: c.2148del on transcript NM_000535.7 (MANE Select); coding-DNA position 2148, one base deleted (C; older notation c.2148delC).
Protein change: p.Val717fs; shifts the reading frame from valine 717.
Molecular consequence: frameshift variant. On other transcripts: non-coding transcript variant (1), intron variant (4).
Genome position (GRCh38, 1-based): chr7:5,982,850, G deleted on the plus strand (C on the coding strand, the reverse complement: PMS2 is on the minus strand); the first of 2 consecutive G bases (chr7:5,982,850-5,982,851); deleting either gives the same sequence. VCF-style (leftmost placement, unchanged base first): chr7-5982849-CG-C. GRCh37 (hg19) VCF-style: chr7-6022480-CG-C.
Other names: c.1742delC, p.Val582Cysfs (NM_001018040.1); c.1743del, p.Val582fs (NM_001322003.2, NM_001322004.2, NM_001322005.2 and 14 more transcripts); c.1992del, p.Val665fs (NM_001322006.2, NM_001406870.1); c.1830del, p.Val611fs (NM_001322007.2, NM_001322008.2, NM_001406876.1 and 1 more transcripts); c.1587del, p.Val530fs (NM_001322010.2, NM_001406906.1, NM_001406907.1); c.1215del, p.Val406fs (NM_001322011.2, NM_001322012.2); c.1575del, p.Val526fs (NM_001322013.2, NM_001406909.1); c.2148del, p.Val717fs (NM_001322014.2, NM_001406871.1); and 17 more; short protein forms V316fs, V406fs, V460fs, V526fs, V530fs, V546fs, V559fs, V562fs.
Identifiers: ClinVar variation 2674244 (VCV002674244.1), dbSNP rs2535531711, ClinGen allele CA2695198405.
Genomic context (GRCh38, chr7:5,982,849, plus strand): 5'-GGGGGAGTCTGGGAATGAACACTAAACACACTCACGCTATGAGCCTCTGCCCCTGGAGCA[CG>C]GTGTGCTGCTGCAGCATCTCGAAGTTATACTTCTCGTCCGTGGCATGCTGGTCCACTATG-3'

ClinVar aggregate classification (germline): Pathogenic (1 of 4 stars; one submission).

Conditions:
Lynch syndrome 4 (LYNCH4). Also called: Hereditary non-polyposis colorectal cancer, type 4; Colorectal cancer, hereditary nonpolyposis, type 4. Identifiers: Orphanet 144, MedGen C1838333, MONDO:0013699, OMIM 614337. Disease mechanism: loss of function.

Submission:

Myriad Genetics, Inc.
Classification: Pathogenic for Lynch syndrome 4. Last evaluated: 2023-09-21. Review status: criteria provided, single submitter. Criteria: Myriad Autosomal Dominant, Autosomal Recessive and X-Linked Classification Criteria (2023). Collection method: clinical testing. Allele origin: unknown.
Comment: This variant is considered pathogenic. This variant creates a frameshift predicted to result in premature protein truncation.